The following is an entry in ClinVar:

NM_001927.4(DES):c.1117G>A (p.Glu373Lys)

Gene: DES (desmin; plus strand). Cytogenetic location: 2q35.
Variant type: single nucleotide variant.
Coding change: c.1117G>A on transcript NM_001927.4 (MANE Select); coding-DNA position 1117, G replaced by A.
Protein change: p.Glu373Lys; replaces glutamic acid 373 with lysine.
Molecular consequence: missense variant. On other transcripts: intron variant (1).
Genome position (GRCh38, 1-based): chr2:219,421,433, G>A. VCF-style: chr2-219421433-G-A. GRCh37 (hg19) VCF-style: chr2-220286155-G-A.
Other names: c.1114G>A, p.Glu372Lys (NM_001382708.1); c.1048G>A, p.Glu350Lys (NM_001382710.1); c.1096G>A, p.Glu366Lys (NM_001382711.1); c.1117G>A, p.Glu373Lys (NM_001382712.1); c.847G>A, p.Glu283Lys (NM_001382713.1); c.736-51G>A (NM_001382709.1); short protein forms E350K, E372K, E283K, E373K, E366K.
Identifiers: ClinVar variation 2585855 (VCV002585855.4), dbSNP rs757792359, ClinGen allele CA2125244.
Genomic context (GRCh38, chr2:219,421,433, plus strand): 5'-GAGGACCGATTTGCCAGTGAGGCCAGTGGCTACCAGGACAACATTGCGCGCCTGGAGGAG[G>A]AAATCCGGCACCTCAAGGATGAGATGGCCCGCCATCTGCGCGAGTACCAGGACCTGCTCA-3'
Protein context (NP_001918.3, residues 363-383): YQDNIARLEE[Glu373Lys]IRHLKDEMAR

ClinVar aggregate classification (germline): Uncertain significance. Review status: criteria provided, multiple submitters, no conflicts (2 of 4 stars). 2 submissions from 2 submitters: Uncertain significance (2). Last evaluated 2025-03-31.

Conditions:
Cardiovascular phenotype. Identifiers: MedGen CN230736.
Desmin-related myofibrillar myopathy (MFM1). Also called: Desmin related myopathy (former name); Desmin storage myopathy (former name); Desminopathy; MYOFIBRILLAR MYOPATHY WITH ARRHYTHMOGENIC RIGHT VENTRICULAR CARDIOMYOPATHY; DESMIN-RELATED MYOPATHY WITH ARRHYTHMOGENIC RIGHT VENTRICULAR CARDIOMYOPATHY; Myofibrillar myopathy 1. Identifiers: Orphanet 363543, Orphanet 98909, MedGen C1832370, MONDO:0011076, OMIM 601419.

Allele frequency attached by ClinVar (database versions not stated): ExAC 0.00001; gnomAD 0.00001; TOPMed 0.00001.
gnomAD v4.1: 2 of 1,613,994 alleles (0.00012%); highest among the groups gnomAD compares: African/African-American, 0.0027%; no homozygotes.

Submissions (2):

Labcorp Genetics (formerly Invitae), Labcorp
Classification: Uncertain significance for Desmin-related myofibrillar myopathy. Last evaluated: 2025-03-31. Review status: criteria provided, single submitter. Criteria: Invitae Variant Classification Sherloc (09022015). Collection method: clinical testing. Allele origin: germline.
Comment: This sequence change replaces glutamic acid, which is acidic and polar, with lysine, which is basic and polar, at codon 373 of the DES protein (p.Glu373Lys). This variant is present in population databases (rs757792359, gnomAD 0.007%). This variant has not been reported in the literature in individuals affected with DES-related conditions. ClinVar contains an entry for this variant (Variation ID: 2585855). Invitae Evidence Modeling of protein sequence and biophysical properties (such as structural, functional, and spatial information, amino acid conservation, physicochemical variation, residue mobility, and thermodynamic stability) has been performed for this missense variant. However, the output from this modeling did not meet the statistical confidence thresholds required to predict the impact of this variant on DES protein function. In summary, the available evidence is currently insufficient to determine the role of this variant in disease. Therefore, it has been classified as a Variant of Uncertain Significance.

Ambry Genetics
Classification: Uncertain significance for Cardiovascular phenotype. Last evaluated: 2023-07-10. Review status: criteria provided, single submitter. Criteria: Ambry Variant Classification Scheme 2023. Collection method: clinical testing. Allele origin: germline.
Comment: The p.E373K variant (also known as c.1117G>A), located in coding exon 6 of the DES gene, results from a G to A substitution at nucleotide position 1117. The glutamic acid at codon 373 is replaced by lysine, an amino acid with similar properties. This amino acid position is conserved. In addition, this alteration is predicted to be deleterious by in silico analysis. Since supporting evidence is limited at this time, the clinical significance of this alteration remains unclear.